The following is an entry in ClinVar:

NM_033641.4(COL4A6):c.1180+4dup

Gene: COL4A6 (collagen type IV alpha 6 chain; minus strand). Cytogenetic location: Xq22.3.
Variant type: Duplication.
Coding change: c.1180+4dup on transcript NM_033641.4 (MANE Select); 4 bases into the intron after coding-DNA position 1180, one base duplicated (A; older notation c.1180+4dupA).
Molecular consequence: intron variant.
Genome position (GRCh38, 1-based): chrX:108,192,463, T duplicated on the plus strand (A on the coding strand, the reverse complement: COL4A6 is on the minus strand); the first of 7 consecutive T bases (chrX:108,192,463-108,192,469); duplicating any one gives the same sequence. VCF-style (leftmost placement, unchanged base first): chrX-108192462-G-GT. GRCh37 (hg19) VCF-style: chrX-107435692-G-GT.
Other names: c.1183+4dup (NM_001847.4); c.1180+4dup (NM_001287760.2, NM_001287759.2, NM_001287758.2).
Identifiers: ClinVar variation 678419 (VCV000678419.10), dbSNP rs368897242, ClinGen allele CA10487892.

ClinVar aggregate classification (germline): Benign/Likely benign. Review status: criteria provided, multiple submitters, no conflicts (2 of 4 stars). 4 submissions from 4 submitters: Benign (3); Likely benign (1). Last evaluated 2026-01-05.

Conditions:
Hearing loss, X-linked 6. Also called: Deafness, X-linked 6. Identifiers: Orphanet 90625, MedGen C3806737, MONDO:0010484, OMIM 300914.

Submissions (4):

Labcorp Genetics (formerly Invitae), Labcorp
Classification: Benign. Last evaluated: 2026-01-05. Review status: criteria provided, single submitter. Criteria: Invitae Variant Classification Sherloc (09022015). Collection method: clinical testing. Allele origin: germline.

Blueprint Genetics
Classification: Likely benign. Last evaluated: 2024-11-13. Review status: criteria provided, single submitter. Criteria: ACMG Guidelines, 2015. Collection method: clinical testing. Allele origin: germline.

Genome-Nilou Lab
Classification: Benign for Hearing loss, X-linked 6. Last evaluated: 2022-03-15. Review status: criteria provided, single submitter. Criteria: ACMG Guidelines, 2015. Collection method: clinical testing. Allele origin: germline. Affected: no.

GeneDx
Classification: Benign. Last evaluated: 2018-05-11. Review status: criteria provided, single submitter. Criteria: GeneDx Variant Classification (06012015). Collection method: clinical testing. Allele origin: germline. Affected: yes.
Comment: This variant is considered likely benign or benign based on one or more of the following criteria: it is a conservative change, it occurs at a poorly conserved position in the protein, it is predicted to be benign by multiple in silico algorithms, and/or has population frequency not consistent with disease.